The following is an entry in ClinVar:

NM_000264.5(PTCH1):c.3324C>G (p.Ile1108Met)

Gene: PTCH1 (patched 1; minus strand). Cytogenetic location: 9q22.32.
Variant type: single nucleotide variant.
Coding change: c.3324C>G on transcript NM_000264.5 (MANE Select); coding-DNA position 3324, C replaced by G.
Protein change: p.Ile1108Met; replaces isoleucine 1108 with methionine.
Molecular consequence: missense variant. On other transcripts: non-coding transcript variant (1).
Genome position (GRCh38, 1-based): chr9:95,453,603, G>C on the plus strand (C>G on the coding strand, the complement: PTCH1 is on the minus strand). VCF-style: chr9-95453603-G-C. GRCh37 (hg19) VCF-style: chr9-98215885-G-C.
Other names: c.3126C>G, p.Ile1042Met (NM_001083602.3); c.3321C>G, p.Ile1107Met (NM_001083603.3); c.2871C>G, p.Ile957Met (NM_001083604.3, NM_001083605.3, NM_001083606.3 and 1 more transcripts); c.3168C>G, p.Ile1056Met (NM_001354918.2); short protein forms I957M, I1056M, I1107M, I1108M, I1042M.
Identifiers: ClinVar variation 4744716 (VCV004744716.2).

ClinVar aggregate classification (germline): Uncertain significance. Review status: criteria provided, multiple submitters, no conflicts (2 of 4 stars). 2 submissions from 2 submitters: Uncertain significance (2). Last evaluated 2026-07-07.

Conditions:
Gorlin syndrome. Also called: Nevoid Basal Cell Carcinoma Syndrome; Basal cell nevus syndrome. Identifiers: Orphanet 377, MedGen C0004779, MONDO:0007187.
Hereditary cancer-predisposing syndrome. Also called: Hereditary Cancer Syndrome; Hereditary neoplastic syndrome; Neoplastic Syndromes, Hereditary; Tumor predisposition. Identifiers: Orphanet 140162, MedGen C0027672, MeSH D009386, MONDO:0015356.

gnomAD v4.1: 1 of 1,613,804 alleles (0.000062%); highest among the groups gnomAD compares: Non-Finnish European, 0.000085%; no homozygotes.

Submissions (2):

Ambry Genetics
Classification: Uncertain significance for Hereditary cancer-predisposing syndrome. Last evaluated: 2026-07-07. Review status: criteria provided, single submitter. Criteria: Ambry Variant Classification Scheme 2023. Collection method: clinical testing. Allele origin: germline.
Comment: The p.I1042M variant (also known as c.3126C>G), located in coding exon 20 of the PTCH1 gene, results from a C to G substitution at nucleotide position 3126. The isoleucine at codon 1042 is replaced by methionine, an amino acid with highly similar properties. This amino acid position is conserved. In addition, the in silico prediction for this alteration is inconclusive. Based on the available evidence, the clinical significance of this variant remains unclear.

Labcorp Genetics (formerly Invitae), Labcorp
Classification: Uncertain significance for Gorlin syndrome. Last evaluated: 2025-11-13. Review status: criteria provided, single submitter. Criteria: Invitae Variant Classification Sherloc (09022015). Collection method: clinical testing. Allele origin: germline.
Comment: This sequence change replaces isoleucine, which is neutral and non-polar, with methionine, which is neutral and non-polar, at codon 1108 of the PTCH1 protein (p.Ile1108Met). This variant is present in population databases (rs748117539, gnomAD 0.0009%). This variant has not been reported in the literature in individuals affected with PTCH1-related conditions. Invitae Evidence Modeling of protein sequence and biophysical properties (such as structural, functional, and spatial information, amino acid conservation, physicochemical variation, residue mobility, and thermodynamic stability) has been performed for this missense variant. However, the output from this modeling did not meet the statistical confidence thresholds required to predict the impact of this variant on PTCH1 protein function. In summary, the available evidence is currently insufficient to determine the role of this variant in disease. Therefore, it has been classified as a Variant of Uncertain Significance.